The following is an entry in ClinVar:

ClinVar aggregate classification (germline): Likely pathogenic (1 of 4 stars; one submission).

Conditions:
SMARCB1-related schwannomatosis. Also called: Schwannomatosis 1; SWNTS1. Identifiers: Orphanet 93921, MedGen C4048809, MONDO:0024517, OMIM 162091. Disease mechanism: loss of function.

Submission:

Institute of Human Genetics, University of Leipzig Medical Center
Classification: Likely pathogenic for SMARCB1-related schwannomatosis. Last evaluated: 2023-08-14. Review status: criteria provided, single submitter. Criteria: ACMG Guidelines, 2015. Collection method: clinical testing. Allele origin: unknown. Inheritance: Autosomal dominant inheritance. Affected: yes.
Comment: Criteria applied: PVS1,PM2_SUP

NM_000268.4(NF2):c.1192_1193del (p.Leu398fs)

Gene: NF2 (NF2, moesin-ezrin-radixin like (MERLIN) tumor suppressor; plus strand). Cytogenetic location: 22q12.2.
Variant type: Deletion.
Coding change: c.1192_1193del on transcript NM_000268.4 (MANE Select); coding-DNA positions 1192 to 1193, 2 bases deleted (CT; older notation c.1192_1193delCT).
Protein change: p.Leu398fs; shifts the reading frame from leucine 398.
Molecular consequence: frameshift variant. On other transcripts: intron variant (1).
Genome position (GRCh38, 1-based): chr22:29,673,338-29,673,339, CT deleted; deleting any 2 consecutive bases within chr22:29,673,337-29,673,339 gives the same sequence; the c. name uses the placement nearest the transcript's 3' end. VCF-style (leftmost placement, unchanged base first): chr22-29673336-TTC-T. GRCh37 (hg19) VCF-style: chr22-30069325-TTC-T.
Other names: c.1078_1079del, p.Leu360fs (NM_001407053.1, NM_001407056.1); c.1069_1070del, p.Leu357fs (NM_001407054.1, NM_001407058.1, NM_181829.3); c.1066_1067del, p.Leu356fs (NM_001407055.1, NM_181828.3); c.1057_1058del, p.Leu353fs (NM_001407057.1, NM_001407059.1); c.1192_1193del, p.Leu398fs (NM_001407060.1, NM_001407066.1, NM_016418.5 and 2 more transcripts); c.934_935del, p.Leu312fs (NM_001407062.1); c.943_944del, p.Leu315fs (NM_001407063.1, NM_001407064.1, NM_181830.3 and 1 more transcripts); c.658_659del, p.Leu220fs (NM_001407065.1); and 2 more; short protein forms L220fs, L312fs, L315fs, L321fs, L353fs, L356fs, L357fs, L360fs.
Identifiers: ClinVar variation 2578438 (VCV002578438.2), dbSNP rs2518679943, ClinGen allele CA645601131.
Genomic context (GRCh38, chr22:29,673,336, plus strand): 5'-CTGAGGAGACAGCTGACCTGTTGGCTGAAAAGGCCCAGATCACCGAGGAGGAGGCAAAAC[TTC>T]TGGCCCAGAAGGCCGCAGAGGCTGAGCAGGAAATGCAGCGCATCAAGGCCACAGCGATTC-3'